The following is an entry in ClinVar:

NM_001351132.2(PEX5):c.956C>A (p.Thr319Asn)

Gene: PEX5 (peroxisomal biogenesis factor 5; plus strand). Cytogenetic location: 12p13.31.
Variant type: single nucleotide variant.
Coding change: c.956C>A on transcript NM_001351132.2 (MANE Select); coding-DNA position 956, C replaced by A.
Protein change: p.Thr319Asn; replaces threonine 319 with asparagine.
Molecular consequence: missense variant.
Genome position (GRCh38, 1-based): chr12:7,203,541, C>A. VCF-style: chr12-7203541-C-A. GRCh37 (hg19) VCF-style: chr12-7356137-C-A.
Other names: c.932C>A, p.Thr311Asn (NM_000319.5); c.1001C>A, p.Thr334Asn (NM_001131023.2); c.845C>A, p.Thr282Asn (NM_001131024.2, NM_001351124.3, NM_001351126.2 and 7 more transcripts); c.956C>A, p.Thr319Asn (NM_001131025.2, NM_001131026.2, NM_001300789.3 and 5 more transcripts); c.890C>A, p.Thr297Asn (NM_001351135.3, NM_001351138.2); c.821C>A, p.Thr274Asn (NM_001351139.2, NM_001351140.2, NM_001374649.2); short protein forms T319N, T282N, T297N, T274N, T311N, T334N.
Identifiers: ClinVar variation 1472104 (VCV001472104.5), dbSNP rs1310273629, ClinGen allele CA383727411.

ClinVar aggregate classification (germline): Uncertain significance (1 of 4 stars; one submission).

Conditions:
Peroxisome biogenesis disorder 2B (PBD2B). Identifiers: Orphanet 44, MedGen C3550234, MONDO:0008736, OMIM 202370.

Allele frequency attached by ClinVar (database versions not stated): gnomAD exomes below 0.00001.

Submission:

Labcorp Genetics (formerly Invitae), Labcorp
Classification: Uncertain significance for Peroxisome biogenesis disorder 2B. Last evaluated: 2022-01-13. Review status: criteria provided, single submitter. Criteria: Invitae Variant Classification Sherloc (09022015). Collection method: clinical testing. Allele origin: germline.
Comment: This sequence change replaces threonine, which is neutral and polar, with asparagine, which is neutral and polar, at codon 319 of the PEX5 protein (p.Thr319Asn). This variant is present in population databases (no rsID available, gnomAD 0.007%). This variant has not been reported in the literature in individuals affected with PEX5-related conditions. Algorithms developed to predict the effect of missense changes on protein structure and function (SIFT, PolyPhen-2, Align-GVGD) all suggest that this variant is likely to be tolerated. In summary, the available evidence is currently insufficient to determine the role of this variant in disease. Therefore, it has been classified as a Variant of Uncertain Significance.